The following is an entry in ClinVar:

ClinVar aggregate classification (germline): Uncertain significance (1 of 4 stars; one submission).

Conditions:
Muscular dystrophy-dystroglycanopathy type B6 (MDDGB6). Also called: MUSCULAR DYSTROPHY-DYSTROGLYCANOPATHY (CONGENITAL WITH IMPAIRED INTELLECTUAL DEVELOPMENT), TYPE B, 6; MUSCULAR DYSTROPHY, CONGENITAL, LARGE-RELATED; MUSCULAR DYSTROPHY, CONGENITAL, TYPE 1D. Identifiers: MedGen C1837229, MONDO:0012138, OMIM 608840.

Submission:

Labcorp Genetics (formerly Invitae), Labcorp
Classification: Uncertain significance for Muscular dystrophy-dystroglycanopathy type B6. Last evaluated: 2019-05-28. Review status: criteria provided, single submitter. Criteria: Invitae Variant Classification Sherloc (09022015). Collection method: clinical testing. Allele origin: germline.
Comment: In summary, the available evidence is currently insufficient to determine the role of this variant in disease. Therefore, it has been classified as a Variant of Uncertain Significance. Algorithms developed to predict the effect of missense changes on protein structure and function (SIFT, PolyPhen-2, Align-GVGD) all suggest that this variant is likely to be tolerated, but these predictions have not been confirmed by published functional studies and their clinical significance is uncertain. This variant has not been reported in the literature in individuals with LARGE1-related conditions. This variant is not present in population databases (ExAC no frequency). This sequence change replaces methionine with leucine at codon 616 of the LARGE1 protein (p.Met616Leu). The methionine residue is moderately conserved and there is a small physicochemical difference between methionine and leucine.

NM_133642.5(LARGE1):c.1846A>T (p.Met616Leu)

Gene: LARGE1 (LARGE xylosyl- and glucuronyltransferase 1; minus strand). Cytogenetic location: 22q12.3.
Variant type: single nucleotide variant.
Coding change: c.1846A>T on transcript NM_133642.5 (MANE Select); coding-DNA position 1846, A replaced by T.
Protein change: p.Met616Leu; replaces methionine 616 with leucine.
Molecular consequence: missense variant. On other transcripts: intron variant (3).
Genome position (GRCh38, 1-based): chr22:33,283,233, T>A on the plus strand (A>T on the coding strand, the complement: LARGE1 is on the minus strand). VCF-style: chr22-33283233-T-A. GRCh37 (hg19) VCF-style: chr22-33679219-T-A.
Other names: c.1846A>T, p.Met616Leu (NM_001362949.2, NM_001362951.2, NM_001362953.2 and 4 more transcripts); c.1690A>T, p.Met564Leu (NM_001378629.1); c.1243A>T, p.Met415Leu (NM_001378630.1); c.1731-5978A>T (NM_001378627.1, NM_001378628.1); c.972-5978A>T (NM_001378631.1); short protein forms M564L, M616L, M415L.
Identifiers: ClinVar variation 950217 (VCV000950217.10), dbSNP rs781142917, ClinGen allele CA411543312.